The following is an entry in ClinVar:

ClinVar aggregate classification (germline): Likely benign (1 of 4 stars; one submission).

Submission:

CeGaT Center for Human Genetics Tuebingen
Classification: Likely benign. Last evaluated: 2022-05-01. Review status: criteria provided, single submitter. Criteria: CeGaT Center For Human Genetics Tuebingen Variant Classification Criteria Version 2. Collection method: clinical testing. Allele origin: germline. Affected: yes. Observed: 1 variant allele.
Comment: SETX: PM2:Supporting, BP4, BP7

NM_015046.7(SETX):c.768G>C (p.Leu256=)

Gene: SETX (senataxin; minus strand). Cytogenetic location: 9q34.13.
Variant type: single nucleotide variant.
Coding change: c.768G>C on transcript NM_015046.7 (MANE Select); coding-DNA position 768, G replaced by C.
Protein change: p.Leu256=; no amino-acid change (leucine 256 retained).
Molecular consequence: synonymous variant.
Genome position (GRCh38, 1-based): chr9:132,334,678, C>G on the plus strand (G>C on the coding strand, the complement: SETX is on the minus strand). VCF-style: chr9-132334678-C-G. GRCh37 (hg19) VCF-style: chr9-135210065-C-G.
Other names: c.768G>C, p.Leu256= (NM_001351527.2, NM_001351528.2).
Identifiers: ClinVar variation 2659655 (VCV002659655.24), dbSNP rs759468738, ClinGen allele CA467508909.
Genomic context (GRCh38, chr9:132,334,678, plus strand): 5'-CCTCTCCATAGTGTGAAGTATCGATTGCATAAAATCATTTTGTTTGTCTGAGCCCAACAA[C>G]AGGGAATCCATGGCTTGTTCCTCAAGAATGGTCAGCAACATGCAAATACCTGTAAGATCA-3'
Protein context (NP_055861.3, residues 246-266): TILEEQAMDS[Leu256=]LLGSDKQNDF